The following is an entry in ClinVar:

ClinVar aggregate classification (germline): Pathogenic (1 of 4 stars; one submission).

Conditions:
Arrhythmogenic right ventricular dysplasia 8 (ARVD8). Also called: Arrhythmogenic Right Ventricular Dysplasia/Cardiomyopathy 8; ARRHYTHMOGENIC RIGHT VENTRICULAR DYSPLASIA, FAMILIAL, 8; ARRHYTHMOGENIC RIGHT VENTRICULAR CARDIOMYOPATHY 8. Identifiers: MedGen C1843896, MONDO:0011831, OMIM 607450.
Arrhythmogenic cardiomyopathy with wooly hair and keratoderma. Also called: Carvajal syndrome; Dilated cardiomyopathy with woolly hair and keratoderma; Arrhythmogenic cardiomyopathy with woolly hair and keratoderma; PALMOPLANTAR KERATODERMA WITH LEFT VENTRICULAR CARDIOMYOPATHY AND WOOLLY HAIR. Identifiers: Orphanet 65282, MedGen C1854063, MONDO:0011581, OMIM 605676.

Submission:

Labcorp Genetics (formerly Invitae), Labcorp
Classification: Pathogenic for Arrhythmogenic cardiomyopathy with wooly hair and keratoderma; Arrhythmogenic right ventricular dysplasia 8. Last evaluated: 2023-06-05. Review status: criteria provided, single submitter. Criteria: Invitae Variant Classification Sherloc (09022015). Collection method: clinical testing. Allele origin: germline.
Comment: For these reasons, this variant has been classified as Pathogenic. ClinVar contains an entry for this variant (Variation ID: 570474). This variant has not been reported in the literature in individuals affected with DSP-related conditions. This variant is not present in population databases (gnomAD no frequency). This sequence change creates a premature translational stop signal (p.Asp1098*) in the DSP gene. It is expected to result in an absent or disrupted protein product. Loss-of-function variants in DSP are known to be pathogenic (PMID: 20716751, 24503780, 25227139).

Literature cited by the submitters: PubMed 20716751; PubMed 24503780; PubMed 25227139.

NM_004415.4(DSP):c.3290_3291dup (p.Asp1098Ter)

Gene: DSP (desmoplakin; plus strand). Cytogenetic location: 6p24.3.
Variant type: Duplication.
Coding change: c.3290_3291dup on transcript NM_004415.4 (MANE Select); coding-DNA positions 3290 to 3291, 2 bases duplicated (TA; older notation c.3290_3291dupTA).
Protein change: p.Asp1098Ter; replaces aspartic acid 1098 with a stop codon.
Molecular consequence: nonsense.
Genome position (GRCh38, 1-based): chr6:7,579,480-7,579,481, TA duplicated. VCF-style (leftmost placement, unchanged base first): chr6-7579479-C-CTA. GRCh37 (hg19) VCF-style: chr6-7579712-C-CTA.
Other names: c.3290_3291dup (LRG_423t1); c.3290_3291dup, p.Asp1098Ter (NM_001008844.3, NM_001319034.2); c.3290_3291dupTA (NM_004415.2); short protein forms D1098*.
Identifiers: ClinVar variation 570474 (VCV000570474.7), dbSNP rs1561697181, ClinGen allele CA891843111.